The following is an entry in ClinVar:

NM_000143.4(FH):c.782_783del (p.Arg261fs)

Gene: FH (fumarate hydratase; minus strand). Cytogenetic location: 1q43.
Variant type: Deletion.
Coding change: c.782_783del on transcript NM_000143.4 (MANE Select); coding-DNA positions 782 to 783, 2 bases deleted (GA; older notation c.782_783delGA).
Protein change: p.Arg261fs; shifts the reading frame from arginine 261.
Molecular consequence: frameshift variant.
Genome position (GRCh38, 1-based): chr1:241,506,124-241,506,125, TC deleted on the plus strand (GA on the coding strand, the reverse complement: FH is on the minus strand); deleting any 2 consecutive bases within chr1:241,506,124-241,506,126 gives the same sequence; the c. name uses the placement nearest the transcript's 3' end. VCF-style (leftmost placement, unchanged base first): chr1-241506123-TTC-T. GRCh37 (hg19) VCF-style: chr1-241669423-TTC-T.
Other names: c.782_783delGA (NM_000143.3); short protein forms R261fs.
Identifiers: ClinVar variation 3230463 (VCV003230463.1), dbSNP rs2527323022, ClinGen allele CA2825000945.

ClinVar aggregate classification (germline): Pathogenic (1 of 4 stars; one submission).

Conditions:
Hereditary cancer-predisposing syndrome. Also called: Neoplastic Syndromes, Hereditary; Tumor predisposition; Hereditary neoplastic syndrome; Hereditary Cancer Syndrome. Identifiers: Orphanet 140162, MedGen C0027672, MeSH D009386, MONDO:0015356.

Submission:

Ambry Genetics
Classification: Pathogenic for Hereditary cancer-predisposing syndrome. Last evaluated: 2023-11-03. Review status: criteria provided, single submitter. Criteria: Ambry Variant Classification Scheme 2023. Collection method: clinical testing. Allele origin: germline.
Comment: The c.782_783delGA pathogenic mutation, located in coding exon 6 of the FH gene, results from a deletion of two nucleotides at nucleotide positions 782 to 783, causing a translational frameshift with a predicted alternate stop codon (p.R261Nfs*10). This alteration has been observed in at least one individual with a personal and/or family history that is consistent with FH-related disease (Ambry internal data). This variant is considered to be rare based on population cohorts in the Genome Aggregation Database (gnomAD). This alteration is expected to result in loss of function by premature protein truncation or nonsense-mediated mRNA decay. As such, this alteration is interpreted as a disease-causing mutation.